The following is an entry in ClinVar:

ClinVar aggregate classification (germline): Uncertain significance. Review status: criteria provided, multiple submitters, no conflicts (2 of 4 stars). 2 submissions from 2 submitters: Uncertain significance (2). Last evaluated 2025-10-13.

Conditions:
Cardiovascular phenotype. Identifiers: MedGen CN230736.
Brugada syndrome 4 (BRGDA4). Identifiers: Orphanet 130, MedGen C2678477, MONDO:0012743, OMIM 611876.

Allele frequency attached by ClinVar (database versions not stated): gnomAD 0.00001; TOPMed 0.00001; ExAC 0.00002; gnomAD exomes 0.00002.
gnomAD v4.1: 13 of 1,613,664 alleles (0.00081%); highest among the groups gnomAD compares: African/African-American, 0.0027%; no homozygotes.

Submissions (2):

Labcorp Genetics (formerly Invitae), Labcorp
Classification: Uncertain significance for Brugada syndrome 4. Last evaluated: 2025-10-13. Review status: criteria provided, single submitter. Criteria: Invitae Variant Classification Sherloc (09022015). Collection method: clinical testing. Allele origin: germline.
Comment: This sequence change replaces arginine, which is basic and polar, with histidine, which is basic and polar, at codon 554 of the CACNB2 protein (p.Arg554His). This variant is present in population databases (rs771011929, gnomAD 0.007%). This variant has not been reported in the literature in individuals affected with CACNB2-related conditions. ClinVar contains an entry for this variant (Variation ID: 941011). An algorithm developed to predict the effect of missense changes on protein structure and function (PolyPhen-2) suggests that this variant is likely to be disruptive. In summary, the available evidence is currently insufficient to determine the role of this variant in disease. Therefore, it has been classified as a Variant of Uncertain Significance.

Ambry Genetics
Classification: Uncertain significance for Cardiovascular phenotype. Last evaluated: 2025-09-28. Review status: criteria provided, single submitter. Criteria: Ambry Variant Classification Scheme 2023. Collection method: clinical testing. Allele origin: germline.
Comment: The p.R554H variant (also known as c.1661G>A), located in coding exon 13 of the CACNB2 gene, results from a G to A substitution at nucleotide position 1661. The arginine at codon 554 is replaced by histidine, an amino acid with highly similar properties. This amino acid position is conserved. In addition, the in silico prediction for this alteration is inconclusive. Since supporting evidence is limited at this time, the clinical significance of this alteration remains unclear.

NM_201596.3(CACNB2):c.1823G>A (p.Arg608His)

Gene: CACNB2 (calcium voltage-gated channel auxiliary subunit beta 2; plus strand). Cytogenetic location: 10p12.31.
Variant type: single nucleotide variant.
Coding change: c.1823G>A on transcript NM_201596.3 (MANE Select); coding-DNA position 1823, G replaced by A.
Protein change: p.Arg608His; replaces arginine 608 with histidine.
Molecular consequence: missense variant.
Genome position (GRCh38, 1-based): chr10:18,539,564, G>A. VCF-style: chr10-18539564-G-A. GRCh37 (hg19) VCF-style: chr10-18828493-G-A.
Other names: c.1658G>A, p.Arg553His (NM_000724.4); c.1625G>A, p.Arg542His (NM_001167945.2); c.1544G>A, p.Arg515His (NM_001330060.2); c.1679G>A, p.Arg560His (NM_201570.3); c.1739G>A, p.Arg580His (NM_201571.4); c.1667G>A, p.Arg556His (NM_201572.4); c.1661G>A, p.Arg554His (NM_201590.3); c.1709G>A, p.Arg570His (NM_201593.3); and 1 more; short protein forms R554H, R570H, R608H, R515H, R553H, R556H, R560H, R542H.
Identifiers: ClinVar variation 941011 (VCV000941011.8), dbSNP rs771011929, ClinGen allele CA5430179.
Genomic context (GRCh38, chr10:18,539,564, plus strand): 5'-ACAACCACAGAGACGAGACCCACGGGAGCAGTGACCACAGACACAGGGAGTCCCGGCACC[G>A]TTCCCGGGACGTGGATCGAGAGCAGGACCACAACGAGTGCAACAAGCAGCGCAGCCGTCA-3'
Protein context (NP_963890.2, residues 598-618): SDHRHRESRH[Arg608His]SRDVDREQDH